The following is an entry in ClinVar:

ClinVar aggregate classification (germline): Uncertain significance (1 of 4 stars; one submission).

gnomAD v4.1: 23 of 1,611,178 alleles (0.0014%); highest among the groups gnomAD compares: African/African-American, 0.0093%; no homozygotes.

Submission:

GeneDx
Classification: Uncertain significance. Last evaluated: 2025-08-14. Review status: criteria provided, single submitter. Criteria: GeneDx Variant Classification Process June 2021. Collection method: clinical testing. Allele origin: germline. Affected: yes.
Comment: In silico analysis suggests that this missense variant does not alter protein structure/function; Has not been previously published as pathogenic or benign to our knowledge

NM_022124.6(CDH23):c.9949G>A (p.Ala3317Thr)

Gene: CDH23 (cadherin related 23; plus strand). Cytogenetic location: 10q22.1.
Variant type: single nucleotide variant.
Coding change: c.9949G>A on transcript NM_022124.6 (MANE Select); coding-DNA position 9949, G replaced by A.
Protein change: p.Ala3317Thr; replaces alanine 3317 with threonine.
Molecular consequence: missense variant.
Genome position (GRCh38, 1-based): chr10:71,815,162, G>A. VCF-style: chr10-71815162-G-A. GRCh37 (hg19) VCF-style: chr10-73574919-G-A.
Other names: c.3229G>A, p.Ala1077Thr (NM_001171933.1); c.3124G>A, p.Ala1042Thr (NM_001171934.1); c.640G>A, p.Ala214Thr (NM_001171935.1); c.535G>A, p.Ala179Thr (NM_001171936.1); short protein forms A214T, A1077T, A179T, A3317T, A1042T.
Identifiers: ClinVar variation 4795514 (VCV004795514.1).